The following is an entry in ClinVar:

ClinVar aggregate classification (germline): Uncertain significance. Review status: criteria provided, multiple submitters, no conflicts (2 of 4 stars). 2 submissions from 2 submitters: Uncertain significance (2). Last evaluated 2022-10-17.

Conditions:
Inborn genetic diseases. Identifiers: MedGen C0950123, MeSH D030342.
Very long chain acyl-CoA dehydrogenase deficiency (ACADVLD). Also called: Very Long-Chain Acyl-Coenzyme A Dehydrogenase Deficiency; VLCAD Deficiency. Identifiers: Orphanet 26793, MedGen C3887523, MONDO:0008723, OMIM 201475.

Allele frequency attached by ClinVar (database versions not stated): gnomAD exomes 0.00001; ExAC 0.00002.
gnomAD v4.1: 5 of 1,614,140 alleles (0.00031%); highest among the groups gnomAD compares: Non-Finnish European, 0.00042%; no homozygotes.

Submissions (2):

Ambry Genetics
Classification: Uncertain significance for Inborn genetic diseases. Last evaluated: 2022-10-17. Review status: criteria provided, single submitter. Criteria: Ambry Variant Classification Scheme 2023. Collection method: clinical testing. Allele origin: germline.
Comment: The p.I467V variant (also known as c.1399A>G), located in coding exon 14 of the ACADVL gene, results from an A to G substitution at nucleotide position 1399. The isoleucine at codon 467 is replaced by valine, an amino acid with highly similar properties. This amino acid position is conserved. In addition, the in silico prediction for this alteration is inconclusive. Since supporting evidence is limited at this time, the clinical significance of this alteration remains unclear.

Labcorp Genetics (formerly Invitae), Labcorp
Classification: Uncertain significance for Very long chain acyl-CoA dehydrogenase deficiency. Last evaluated: 2021-10-27. Review status: criteria provided, single submitter. Criteria: Invitae Variant Classification Sherloc (09022015). Collection method: clinical testing. Allele origin: germline.
Comment: This sequence change replaces isoleucine, a(n) neutral and non-polar amino acid, with valine, a(n) neutral and non-polar amino acid, at codon 467 of the ACADVL protein (p.Ile467Val). This variant is present in population databases (rs755685700, gnomAD 0.002%). This variant has not been reported in the literature in individuals affected with ACADVL-related conditions. Algorithms developed to predict the effect of missense changes on protein structure and function (SIFT, PolyPhen-2, Align-GVGD) all suggest that this variant is likely to be tolerated. In summary, the available evidence is currently insufficient to determine the role of this variant in disease. Therefore, it has been classified as a Variant of Uncertain Significance.

NM_000018.4(ACADVL):c.1399A>G (p.Ile467Val)

Gene: ACADVL (acyl-CoA dehydrogenase very long chain; plus strand). Cytogenetic location: 17p13.1.
Variant type: single nucleotide variant.
Coding change: c.1399A>G on transcript NM_000018.4 (MANE Select); coding-DNA position 1399, A replaced by G.
Protein change: p.Ile467Val; replaces isoleucine 467 with valine.
Molecular consequence: missense variant.
Genome position (GRCh38, 1-based): chr17:7,224,034, A>G. VCF-style: chr17-7224034-A-G. GRCh37 (hg19) VCF-style: chr17-7127353-A-G.
Other names: c.1333A>G, p.Ile445Val (NM_001033859.3); c.1468A>G, p.Ile490Val (NM_001270447.2); c.1171A>G, p.Ile391Val (NM_001270448.2); short protein forms I445V, I490V, I467V, I391V.
Identifiers: ClinVar variation 1355729 (VCV001355729.5), dbSNP rs755685700, ClinGen allele CA8338093.
Genomic context (GRCh38, chr17:7,224,034, plus strand): 5'-GGAGTAGAGCGTGTGCTCCGAGATCTTCGCATCTTCCGGATCTTTGAGGGGACAAATGAC[A>G]TTCTTCGGCTGTTTGTGGCTCTGCAGGGCTGTATGGTAAGACAGAGAATTGGGTGGGGGT-3'
Protein context (NP_000009.1, residues 457-477): IFRIFEGTND[Ile467Val]LRLFVALQGC